The following is an entry in ClinVar:

ClinVar aggregate classification (germline): Likely pathogenic (1 of 4 stars; one submission).

Conditions:
Autosomal recessive nonsyndromic hearing loss 77. Identifiers: Orphanet 90636, MedGen C2746083, MONDO:0013119, OMIM 613079.

Submission:

Myriad Genetics, Inc.
Classification: Likely pathogenic for Autosomal recessive nonsyndromic hearing loss 77. Last evaluated: 2021-12-02. Review status: criteria provided, single submitter. Criteria: Myriad Women's Health Autosomal Recessive and X-Linked Classification Criteria (2021). Collection method: clinical testing. Allele origin: unknown.
Comment: NM_144612.6(LOXHD1):c.3544A>T(K1182*) is expected to be pathogenic in the context of LOXHD1-related DFNB77 hearing loss and deafness. This variant is predicted to lead to an abnormal or absent protein product due to the creation of a premature termination codon in LOXHD1, a gene where loss-of-function variants are known to be pathogenic. Please note: this variant was assessed in the context of healthy population screening.

NM_001384474.1(LOXHD1):c.3544A>T (p.Lys1182Ter)

Gene: LOXHD1 (lipoxygenase homology PLAT domains 1; minus strand). Cytogenetic location: 18q21.1.
Variant type: single nucleotide variant.
Coding change: c.3544A>T on transcript NM_001384474.1 (MANE Select); coding-DNA position 3544, A replaced by T.
Protein change: p.Lys1182Ter; replaces lysine 1182 with a stop codon.
Molecular consequence: nonsense. On other transcripts: 5 prime UTR variant (1).
Genome position (GRCh38, 1-based): chr18:46,545,392, T>A on the plus strand (A>T on the coding strand, the complement: LOXHD1 is on the minus strand). VCF-style: chr18-46545392-T-A. GRCh37 (hg19) VCF-style: chr18-44125355-T-A.
Other names: c.211A>T, p.Lys71Ter (NM_001145472.3); c.-78A>T (NM_001308013.2); c.3544A>T, p.Lys1182Ter (NM_144612.7); short protein forms K1182*, K71*.
Identifiers: ClinVar variation 1725280 (VCV001725280.2), dbSNP rs2511735560, ClinGen allele CA402378780.
Genomic context (GRCh38, chr18:46,545,392, plus strand): 5'-TGCCAAAGAGTGTGATGAAGACATTAGCATCTGTGCCCGCATTCTTCTTAACCCCAGTCT[T>A]TATGGTCACTGAGAATGTGGTAGATTTATCTGCCAAGAGAATAGTATAGAGCAATGAATT-3'